The following is an entry in ClinVar:

NM_170743.4(IFNLR1):c.574G>A (p.Glu192Lys)

Gene: IFNLR1 (interferon lambda receptor 1; minus strand). Cytogenetic location: 1p36.11.
Variant type: single nucleotide variant.
Coding change: c.574G>A on transcript NM_170743.4 (MANE Select); coding-DNA position 574, G replaced by A.
Protein change: p.Glu192Lys; replaces glutamic acid 192 with lysine.
Molecular consequence: missense variant.
Genome position (GRCh38, 1-based): chr1:24,159,570, C>T on the plus strand (G>A on the coding strand, the complement: IFNLR1 is on the minus strand). VCF-style: chr1-24159570-C-T. GRCh37 (hg19) VCF-style: chr1-24486060-C-T.
Other names: c.574G>A, p.Glu192Lys (NM_173064.3, NM_173065.3); short protein forms E192K.
Identifiers: ClinVar variation 2204772 (VCV002204772.4), dbSNP rs377756977, ClinGen allele CA689580.

ClinVar aggregate classification (germline): Uncertain significance. Review status: criteria provided, multiple submitters, no conflicts (2 of 4 stars). 2 submissions from 2 submitters: Uncertain significance (2). Last evaluated 2026-09-10.

Conditions:
IFNLR1-related disorder. Also called: IFNLR1-related condition.

Allele frequency attached by ClinVar (database versions not stated): ExAC 0.00001; gnomAD exomes 0.00002; TOPMed 0.00002; gnomAD 0.00003; ESP Exome Variant Server 0.00008.
gnomAD v4.1: 40 of 1,613,680 alleles (0.0025%); highest among the groups gnomAD compares: Middle Eastern, 0.049%; no homozygotes.

Submissions (2):

PreventionGenetics, part of Exact Sciences
Classification: Uncertain significance for IFNLR1-related condition. Last evaluated: 2026-09-10. Review status: criteria provided, single submitter. Criteria: ACMG Guidelines, 2015. Collection method: clinical testing. Allele origin: germline.
Comment: The IFNLR1 c.574G>A variant is predicted to result in the amino acid substitution p.Glu192Lys. To our knowledge, this variant has not been reported in the literature. This variant is reported in 0.0070% of alleles in individuals of European (Non-Finnish) descent in gnomAD. At this time, the clinical significance of this variant is uncertain due to the absence of conclusive functional and genetic evidence.

Ambry Genetics
Classification: Uncertain significance. Last evaluated: 2024-12-21. Review status: criteria provided, single submitter. Criteria: Ambry Variant Classification Scheme 2023. Collection method: clinical testing. Allele origin: germline.